The following is an entry in ClinVar:

NM_020975.6(RET):c.1522+42dup

Gene: RET (ret proto-oncogene; plus strand). Cytogenetic location: 10q11.21.
Variant type: Duplication.
Coding change: c.1522+42dup on transcript NM_020975.6 (MANE Select); 42 bases into the intron after coding-DNA position 1522, one base duplicated (G; older notation c.1522+42dupG).
Molecular consequence: intron variant.
Genome position (GRCh38, 1-based): chr10:43,111,507, G duplicated; the last of 5 consecutive G bases (chr10:43,111,503-43,111,507); duplicating any one gives the same sequence. VCF-style (leftmost placement, unchanged base first): chr10-43111502-T-TG. GRCh37 (hg19) VCF-style: chr10-43606950-T-TG.
Other names: c.1522+42dup (NM_020630.7, NM_001406743.1, NM_001406744.1 and 4 more transcripts); c.1126+42dup (NM_001406772.1, NM_001406769.1); c.1084+42dup (NM_001406773.1, NM_001406771.1); c.626-592dup (NM_001406782.1, NM_001406780.1, NM_001406779.1 and 3 more transcripts); c.1393+42dup (NM_001406764.1, NM_001406762.1, NM_001406761.1 and 1 more transcripts); c.997+42dup (NM_001406774.1); c.497-592dup (NM_001406786.1, NM_001406783.1); c.1234+42dup (NM_001406770.1, NM_001406766.1, NM_001406767.1); and 5 more.
Identifiers: ClinVar variation 3031437 (VCV003031437.2), dbSNP rs751749625, ClinGen allele CA034118.

ClinVar aggregate classification (germline): Likely benign (0 of 4 stars; one submission).

Conditions:
RET-related disorder. Also called: RET-related disorders; RET-related condition; RET-related disease.

Submission:

PreventionGenetics, part of Exact Sciences
Classification: Likely benign for RET-related condition. Last evaluated: 2022-03-11. Review status: no assertion criteria provided. Collection method: clinical testing. Allele origin: germline.
Comment: This variant is classified as likely benign based on ACMG/AMP sequence variant interpretation guidelines (Richards et al. 2015 PMID: 25741868, with internal and published modifications).